The following is an entry in ClinVar:

ClinVar aggregate classification (germline): Uncertain significance (1 of 4 stars; one submission).

gnomAD v4.1: 1 of 1,614,132 alleles (0.000062%); highest among the groups gnomAD compares: Non-Finnish European, 0.000085%; no homozygotes.

Submission:

GeneDx
Classification: Uncertain significance. Last evaluated: 2026-03-26. Review status: criteria provided, single submitter. Criteria: GeneDx Variant Classification Process June 2021. Collection method: clinical testing. Allele origin: germline.
Comment: In silico analysis supports that this missense variant has a deleterious effect on protein structure/function; Has not been previously published as pathogenic or benign to our knowledge

NM_002860.4(ALDH18A1):c.1037G>A (p.Gly346Glu)

Gene: ALDH18A1 (aldehyde dehydrogenase 18 family member A1; minus strand). Cytogenetic location: 10q24.1.
Variant type: single nucleotide variant.
Coding change: c.1037G>A on transcript NM_002860.4 (MANE Select); coding-DNA position 1037, G replaced by A.
Protein change: p.Gly346Glu; replaces glycine 346 with glutamic acid.
Molecular consequence: missense variant.
Genome position (GRCh38, 1-based): chr10:95,627,483, C>T on the plus strand (G>A on the coding strand, the complement: ALDH18A1 is on the minus strand). VCF-style: chr10-95627483-C-T. GRCh37 (hg19) VCF-style: chr10-97387240-C-T.
Other names: c.1031G>A, p.Gly344Glu (NM_001017423.2, NM_001323415.2); c.704G>A, p.Gly235Glu (NM_001323412.2, NM_001323416.2); c.1037G>A, p.Gly346Glu (NM_001323413.2, NM_001323414.2); c.932G>A, p.Gly311Glu (NM_001323417.2); c.698G>A, p.Gly233Glu (NM_001323418.2); c.401G>A, p.Gly134Glu (NM_001323419.2); short protein forms G134E, G233E, G235E, G311E, G344E, G346E.
Identifiers: ClinVar variation 5017324 (VCV005017324.1).